The following is an entry in ClinVar:

NM_014271.4(IL1RAPL1):c.651A>C (p.Glu217Asp)

Gene: IL1RAPL1 (interleukin 1 receptor accessory protein like 1; plus strand). Cytogenetic location: Xp21.2.
Variant type: single nucleotide variant.
Coding change: c.651A>C on transcript NM_014271.4 (MANE Select); coding-DNA position 651, A replaced by C.
Protein change: p.Glu217Asp; replaces glutamic acid 217 with aspartic acid.
Molecular consequence: missense variant.
Genome position (GRCh38, 1-based): chrX:29,399,256, A>C. VCF-style: chrX-29399256-A-C. GRCh37 (hg19) VCF-style: chrX-29417373-A-C.
Other names: short protein forms E217D.
Identifiers: ClinVar variation 493510 (VCV000493510.52), dbSNP rs775759727, ClinGen allele CA10375446.
Genomic context (GRCh38, chrX:29,399,256, plus strand): 5'-AAGAGATACTCTGCTTATAAGAGAAGTCAGAGAAGATGACATTGGAAATTATACCTGTGA[A>C]TTAAAATATGGAGGCTTTGTTGTGAGAAGAACTACTGAATTAACTGTTACAGGTAATCAC-3'
Protein context (NP_055086.1, residues 207-227): REDDIGNYTC[Glu217Asp]LKYGGFVVRR

ClinVar aggregate classification (germline): Benign/Likely benign. Review status: criteria provided, multiple submitters, no conflicts (2 of 4 stars). 5 submissions from 5 submitters: Benign (1); Likely benign (2). 2 of the submissions do not count toward it. Last evaluated 2025-10-20.

Allele frequency attached by ClinVar (database versions not stated): gnomAD exomes 0.00009; TOPMed 0.00009; ExAC 0.00010; gnomAD 0.00011.
gnomAD v4.1: 98 of 1,201,156 alleles (0.0082%); highest among the groups gnomAD compares: Middle Eastern, 0.18%; no homozygotes.

Submissions (5):

Labcorp Genetics (formerly Invitae), Labcorp
Classification: Benign. Last evaluated: 2025-10-20. Review status: criteria provided, single submitter. Criteria: Invitae Variant Classification Sherloc (09022015). Collection method: clinical testing. Allele origin: germline.

CeGaT Center for Human Genetics Tuebingen
Classification: Likely benign. Last evaluated: 2022-12-01. Review status: criteria provided, single submitter. Criteria: CeGaT Center For Human Genetics Tuebingen Variant Classification Criteria Version 2. Collection method: clinical testing. Allele origin: germline. Affected: yes. Observed: 3 variant alleles.
Comment: IL1RAPL1: BS2

GeneDx
Classification: Likely benign. Last evaluated: 2021-01-18. Review status: criteria provided, single submitter. Criteria: GeneDx Variant Classification Process June 2021. Collection method: clinical testing. Allele origin: germline. Affected: yes.

Clinical Genetics DNA and cytogenetics Diagnostics Lab, Erasmus MC, Erasmus Medical Center
Classification: Uncertain significance. Review status: no assertion criteria provided. Collection method: clinical testing. Allele origin: germline. Affected: yes. Study: VKGL Data-share Consensus. Not counted in ClinVar's aggregate classification.

Joint Genome Diagnostic Labs from Nijmegen and Maastricht, Radboudumc and MUMC+
Classification: Uncertain significance. Review status: no assertion criteria provided. Collection method: clinical testing. Allele origin: germline. Affected: yes. Study: VKGL Data-share Consensus. Not counted in ClinVar's aggregate classification.